The following is an entry in ClinVar:

NM_013322.3(SNX10):c.271G>A (p.Val91Met)

Gene: SNX10 (sorting nexin 10; plus strand). Cytogenetic location: 7p15.2.
Variant type: single nucleotide variant.
Coding change: c.271G>A on transcript NM_013322.3 (MANE Select); coding-DNA position 271, G replaced by A.
Protein change: p.Val91Met; replaces valine 91 with methionine.
Molecular consequence: missense variant.
Genome position (GRCh38, 1-based): chr7:26,365,105, G>A. VCF-style: chr7-26365105-G-A. GRCh37 (hg19) VCF-style: chr7-26404725-G-A.
Other names: c.271G>A, p.Val91Met (NM_001199835.1, NM_001318199.3); c.262G>A, p.Val88Met (NM_001199837.3); c.19G>A, p.Val7Met (NM_001199838.2); c.349G>A, p.Val117Met (NM_001318198.1, NM_001362753.1, NM_001362754.1); short protein forms V88M, V91M, V7M, V117M.
Identifiers: ClinVar variation 1043744 (VCV001043744.7), dbSNP rs1048719660, ClinGen allele CA156146169.

ClinVar aggregate classification (germline): Uncertain significance. Review status: criteria provided, multiple submitters, no conflicts (2 of 4 stars). 2 submissions from 2 submitters: Uncertain significance (2). Last evaluated 2025-08-25.

Conditions:
Inborn genetic diseases. Identifiers: MedGen C0950123, MeSH D030342.

Allele frequency attached by ClinVar (database versions not stated): gnomAD exomes below 0.00001; gnomAD 0.00002; TOPMed 0.00002.
gnomAD v4.1: 4 of 1,613,118 alleles (0.00025%); highest among the groups gnomAD compares: African/African-American, 0.004%; no homozygotes.

Submissions (2):

Ambry Genetics
Classification: Uncertain significance for Inborn genetic diseases. Last evaluated: 2025-08-25. Review status: criteria provided, single submitter. Criteria: Ambry Variant Classification Scheme 2023. Collection method: clinical testing. Allele origin: germline.

Labcorp Genetics (formerly Invitae), Labcorp
Classification: Uncertain significance. Last evaluated: 2023-03-08. Review status: criteria provided, single submitter. Criteria: Invitae Variant Classification Sherloc (09022015). Collection method: clinical testing. Allele origin: germline.
Comment: In summary, the available evidence is currently insufficient to determine the role of this variant in disease. Therefore, it has been classified as a Variant of Uncertain Significance. An algorithm developed to predict the effect of missense changes on protein structure and function (PolyPhen-2) suggests that this variant is likely to be disruptive. ClinVar contains an entry for this variant (Variation ID: 1043744). This variant has not been reported in the literature in individuals affected with SNX10-related conditions. This variant is present in population databases (no rsID available, gnomAD 0.004%). This sequence change replaces valine, which is neutral and non-polar, with methionine, which is neutral and non-polar, at codon 91 of the SNX10 protein (p.Val91Met).